The following is an entry in ClinVar:

ClinVar aggregate classification (germline): Uncertain significance. Review status: criteria provided, multiple submitters, no conflicts (2 of 4 stars). 2 submissions from 2 submitters: Uncertain significance (2). Last evaluated 2024-02-23.

Conditions:
Brody myopathy. Also called: BRODY DISEASE. Identifiers: Orphanet 53347, MedGen C1832918, MONDO:0010977, OMIM 601003.

Allele frequency attached by ClinVar (database versions not stated): ExAC 0.00001; gnomAD exomes 0.00001; TOPMed 0.00002; gnomAD 0.00003; 1000 Genomes Project 30x 0.00016; 1000 Genomes Project 0.00020.
gnomAD v4.1: 23 of 1,614,178 alleles (0.0014%); highest among the groups gnomAD compares: East Asian, 0.0067%; no homozygotes.

Submissions (2):

Labcorp Genetics (formerly Invitae), Labcorp
Classification: Uncertain significance for Brody myopathy. Last evaluated: 2024-02-23. Review status: criteria provided, single submitter. Criteria: Invitae Variant Classification Sherloc (09022015). Collection method: clinical testing. Allele origin: germline.
Comment: This sequence change replaces arginine, which is basic and polar, with glutamine, which is neutral and polar, at codon 637 of the ATP2A1 protein (p.Arg637Gln). This variant is present in population databases (rs182084601, gnomAD 0.005%). This variant has not been reported in the literature in individuals affected with ATP2A1-related conditions. ClinVar contains an entry for this variant (Variation ID: 647262). An algorithm developed to predict the effect of missense changes on protein structure and function (PolyPhen-2) suggests that this variant is likely to be disruptive. In summary, the available evidence is currently insufficient to determine the role of this variant in disease. Therefore, it has been classified as a Variant of Uncertain Significance.

Revvity Omics, Revvity
Classification: Uncertain significance for Brody myopathy. Last evaluated: 2020-12-17. Review status: criteria provided, single submitter. Criteria: ACMG Guidelines, 2015. Collection method: clinical testing. Allele origin: germline.

NM_004320.6(ATP2A1):c.1910G>A (p.Arg637Gln)

Gene: ATP2A1 (ATPase sarcoplasmic/endoplasmic reticulum Ca2+ transporting 1; plus strand). Cytogenetic location: 16p11.2.
Variant type: single nucleotide variant.
Coding change: c.1910G>A on transcript NM_004320.6 (MANE Select); coding-DNA position 1910, G replaced by A.
Protein change: p.Arg637Gln; replaces arginine 637 with glutamine.
Molecular consequence: missense variant.
Genome position (GRCh38, 1-based): chr16:28,900,726, G>A. VCF-style: chr16-28900726-G-A. GRCh37 (hg19) VCF-style: chr16-28912047-G-A.
Other names: c.1535G>A, p.Arg512Gln (NM_001286075.2); c.1910G>A, p.Arg637Gln (NM_173201.5); c.1910G>A (NM_173201.4); short protein forms R512Q, R637Q.
Identifiers: ClinVar variation 647262 (VCV000647262.10), dbSNP rs182084601, ClinGen allele CA7987112.